The following is an entry in ClinVar:

NM_130466.4(UBE3B):c.574A>G (p.Ile192Val)

Gene: UBE3B (ubiquitin protein ligase E3B; plus strand). Cytogenetic location: 12q24.11.
Variant type: single nucleotide variant.
Coding change: c.574A>G on transcript NM_130466.4 (MANE Select); coding-DNA position 574, A replaced by G.
Protein change: p.Ile192Val; replaces isoleucine 192 with valine.
Molecular consequence: missense variant.
Genome position (GRCh38, 1-based): chr12:109,489,948, A>G. VCF-style: chr12-109489948-A-G. GRCh37 (hg19) VCF-style: chr12-109927753-A-G.
Other names: c.574A>G, p.Ile192Val (NM_001270449.2, NM_001270450.2, NM_001270451.2 and 1 more transcripts); short protein forms I192V.
Identifiers: ClinVar variation 2116127 (VCV002116127.4), dbSNP rs2548476986, ClinGen allele CA386631753.
Genomic context (GRCh38, chr12:109,489,948, plus strand): 5'-CTTTTTTGTTCTCACTGTTTTCTTTCTTTAGGTGAAAGTCTTCGACCAGCGATGAACCAC[A>G]TTTGTGCAAATATAATGGGACATCTCAACCAGCATGGATTTTATTCTGTGCTGCAGGTCT-3'
Protein context (NP_569733.2, residues 182-202): GESLRPAMNH[Ile192Val]CANIMGHLNQ

ClinVar aggregate classification (germline): Uncertain significance (1 of 4 stars; one submission).

Submission:

Labcorp Genetics (formerly Invitae), Labcorp
Classification: Uncertain significance. Last evaluated: 2022-03-23. Review status: criteria provided, single submitter. Criteria: Invitae Variant Classification Sherloc (09022015). Collection method: clinical testing. Allele origin: germline.
Comment: This variant has not been reported in the literature in individuals affected with UBE3B-related conditions. In summary, the available evidence is currently insufficient to determine the role of this variant in disease. Therefore, it has been classified as a Variant of Uncertain Significance. Algorithms developed to predict the effect of missense changes on protein structure and function (SIFT, PolyPhen-2, Align-GVGD) all suggest that this variant is likely to be tolerated. This variant is not present in population databases (gnomAD no frequency). This sequence change replaces isoleucine, which is neutral and non-polar, with valine, which is neutral and non-polar, at codon 192 of the UBE3B protein (p.Ile192Val).